The following is an entry in ClinVar:

NM_024753.5(TTC21B):c.429+5C>A

Genes: TTC21B (tetratricopeptide repeat domain 21B; minus strand), TTC21B-AS1 (TTC21B antisense RNA 1; plus strand). Cytogenetic location: 2q24.3.
Variant type: single nucleotide variant.
Coding change: c.429+5C>A on transcript NM_024753.5 (MANE Select); 5 bases into the intron after coding-DNA position 429, C replaced by A.
Molecular consequence: intron variant.
Genome position (GRCh38, 1-based): chr2:165,945,519, G>T on the plus strand (C>A on the coding strand, the complement: TTC21B is on the minus strand). VCF-style: chr2-165945519-G-T. GRCh37 (hg19) VCF-style: chr2-166802029-G-T.
Identifiers: ClinVar variation 2634236 (VCV002634236.2), dbSNP rs746342325, ClinGen allele CA537508349.
Genomic context (GRCh38, chr2:165,945,519, plus strand): 5'-ACTGGATATATCAATAACATAAGCATTTTTTAATGTTATTATTTTAAACTCAGAAAAATA[G>T]CTACCTGTTTACTACCATCTGATATTTTGATCATTCTGTCAATATATTCCCTTGCTTTAT-3'

ClinVar aggregate classification (germline): Conflicting classifications of pathogenicity. Review status: criteria provided, conflicting classifications (1 of 4 stars). 2 submissions from 2 submitters: Uncertain significance (1); Likely benign (1). Last evaluated 2023-05-24.

Conditions:
TTC21B-related disorder. Also called: TTC21B-related condition; TTC21B-related disorders.

Allele frequency attached by ClinVar (database versions not stated): gnomAD 0.00001; TOPMed 0.00001.
gnomAD v4.1: 14 of 1,611,800 alleles (0.00087%); highest among the groups gnomAD compares: Non-Finnish European, 0.0012%; no homozygotes.

Submissions (2):

PreventionGenetics, part of Exact Sciences
Classification: Uncertain significance for TTC21B-related condition. Last evaluated: 2023-05-24. Review status: criteria provided, single submitter. Criteria: ACMG Guidelines, 2015. Collection method: clinical testing. Allele origin: germline.
Comment: The TTC21B c.429+5C>A variant is predicted to interfere with splicing. To our knowledge, this variant has not been reported in the literature. This variant is reported in 0.00088% of alleles in individuals of European (Non-Finnish) descent in gnomAD. At this time, the clinical significance of this variant is uncertain due to the absence of conclusive functional and genetic evidence.

Blueprint Genetics
Classification: Likely benign. Last evaluated: 2021-10-21. Review status: criteria provided, single submitter. Criteria: ACMG Guidelines, 2015. Collection method: clinical testing. Allele origin: germline.